The following is an entry in ClinVar:

NM_000287.4(PEX6):c.2728A>G (p.Thr910Ala)

Gene: PEX6 (peroxisomal biogenesis factor 6; minus strand). Cytogenetic location: 6p21.1.
Variant type: single nucleotide variant.
Coding change: c.2728A>G on transcript NM_000287.4 (MANE Select); coding-DNA position 2728, A replaced by G.
Protein change: p.Thr910Ala; replaces threonine 910 with alanine.
Molecular consequence: missense variant. On other transcripts: non-coding transcript variant (1).
Genome position (GRCh38, 1-based): chr6:42,964,868, T>C on the plus strand (A>G on the coding strand, the complement: PEX6 is on the minus strand). VCF-style: chr6-42964868-T-C. GRCh37 (hg19) VCF-style: chr6-42932606-T-C.
Other names: c.2464A>G, p.Thr822Ala (NM_001316313.2); short protein forms T822A, T910A.
Identifiers: ClinVar variation 4856045 (VCV004856045.1).

ClinVar aggregate classification (germline): Uncertain significance (1 of 4 stars; one submission).

Conditions:
PEX6-related disorder. Also called: PEX6-related condition; PEX6-related disorders.

Submission:

3billion
Classification: Uncertain significance for PEX6-related disorder. Last evaluated: 2025-11-18. Review status: criteria provided, single submitter. Criteria: ACMG Guidelines, 2015. Collection method: clinical testing. Allele origin: germline. Affected: yes.
Comment: The variant is not observed in the gnomAD v4.1.0 dataset. Predicted Consequence/Location: Missense variant. The majority of the known disease-causing variants of this gene are variants expected to result in premature termination of the protein. In silico tool predictions suggest damaging effect of the variant on gene or gene product [REVEL: 0.90 (>=0.6, sensitivity 0.68 and specificity 0.92)]. Different missense changes at the same codon have been reported as of uncertain significance (ClinVar ID: VCV000967941). Therefore, this variant is classified as VUS according to the recommendation of ACMG/AMP guideline.